The following is an entry in ClinVar:

NM_000531.6(OTC):c.1005+1133A>G

Gene: OTC (ornithine transcarbamylase; plus strand). Cytogenetic location: Xp11.4.
Variant type: single nucleotide variant.
Coding change: c.1005+1133A>G on transcript NM_000531.6 (MANE Select); 1133 bases into the intron after coding-DNA position 1005, A replaced by G.
Molecular consequence: intron variant.
Genome position (GRCh38, 1-based): chrX:38,413,132, A>G. VCF-style: chrX-38413132-A-G. GRCh37 (hg19) VCF-style: chrX-38272385-A-G.
Identifiers: ClinVar variation 675568 (VCV000675568.2), dbSNP rs56125451, ClinGen allele CA327913994.

ClinVar aggregate classification (germline): Benign. Review status: criteria provided, single submitter (1 of 4 stars). 2 submissions from 2 submitters: Benign (1). 1 of the submissions does not count toward it. Last evaluated 2018-06-14.

Conditions:
Ornithine carbamoyltransferase deficiency (OTCD). Also called: ORNITHINE TRANSCARBAMYLASE DEFICIENCY, HYPERAMMONEMIA DUE TO; ORNITHINE TRANSCARBAMYLASE DEFICIENCY; Ornithine Carbamoyltransferase Deficiency Disease; OTC DEFICIENCY. Identifiers: Orphanet 664, MedGen C0268542, MONDO:0010703, OMIM 311250.

Allele frequency attached by ClinVar (database versions not stated): 1000 Genomes Project 0.02517; gnomAD 0.02560 and 0.02726; 1000 Genomes Project 30x 0.02664; TOPMed 0.02953.
gnomAD v4.1: 2,834 of 112,127 alleles (2.5%); highest among the groups gnomAD compares: African/African-American, 8.7%; 102 homozygotes.

Submissions (2):

GeneDx
Classification: Benign. Last evaluated: 2018-06-14. Review status: criteria provided, single submitter. Criteria: GeneDx Variant Classification (06012015). Collection method: clinical testing. Allele origin: germline. Affected: yes.
Comment: This variant is considered likely benign or benign based on one or more of the following criteria: it is a conservative change, it occurs at a poorly conserved position in the protein, it is predicted to be benign by multiple in silico algorithms, and/or has population frequency not consistent with disease.

Natera, Inc.
Classification: Benign for Ornithine transcarbamylase deficiency. Last evaluated: 2020-09-16. Review status: no assertion criteria provided. Collection method: clinical testing. Allele origin: germline. Not counted in ClinVar's aggregate classification.